The following is an entry in ClinVar:

NM_006014.5(LAGE3):c.188+10C>G

Genes: LAGE3 (L antigen family member 3; minus strand), LOC130068876 (ATAC-STARR-seq lymphoblastoid silent region 21109; plus strand). Cytogenetic location: Xq28.
Variant type: single nucleotide variant.
Coding change: c.188+10C>G on transcript NM_006014.5 (MANE Select); 10 bases into the intron after coding-DNA position 188, C replaced by G.
Molecular consequence: intron variant.
Genome position (GRCh38, 1-based): chrX:154,478,718, G>C on the plus strand (C>G on the coding strand, the complement: LAGE3 is on the minus strand). VCF-style: chrX-154478718-G-C. GRCh37 (hg19) VCF-style: chrX-153707057-G-C.
Other names: c.188+10C>G (NM_006014.4).
Identifiers: ClinVar variation 1558003 (VCV001558003.10), dbSNP rs782232215, ClinGen allele CA10565260.
Genomic context (GRCh38, chrX:154,478,718, plus strand): 5'-GCCCTCCTTTCCTTCTCCCCGAGTCCAGCCCTCGCTCCGCCGCAAGCAGCCCCCAGCTCG[G>C]AAAGGATACAATATGTGCGGCCGCATTCGTGACCCCCTGGCCGCAGACGCGGCGTCTCTG-3'

ClinVar aggregate classification (germline): Benign. Review status: criteria provided, single submitter (1 of 4 stars). 2 submissions from 2 submitters: Benign (1). 1 of the submissions does not count toward it. Last evaluated 2025-11-09.

Conditions:
LAGE3-related disorder. Also called: LAGE3-related condition.

Allele frequency attached by ClinVar (database versions not stated): gnomAD 0.00018 and 0.00020; TOPMed 0.00020; gnomAD exomes 0.00028 and 0.00054; ExAC 0.00070.

Submissions (2):

Labcorp Genetics (formerly Invitae), Labcorp
Classification: Benign. Last evaluated: 2025-11-09. Review status: criteria provided, single submitter. Criteria: Invitae Variant Classification Sherloc (09022015). Collection method: clinical testing. Allele origin: germline.

PreventionGenetics, part of Exact Sciences
Classification: Likely benign for LAGE3-related condition. Last evaluated: 2019-11-26. Review status: no assertion criteria provided. Collection method: clinical testing. Allele origin: germline. Not counted in ClinVar's aggregate classification.
Comment: This variant is classified as likely benign based on ACMG/AMP sequence variant interpretation guidelines (Richards et al. 2015 PMID: 25741868, with internal and published modifications).